The following is an entry in ClinVar:

NM_001164665.2(KIAA1549):c.5627C>A (p.Ser1876Tyr)

Gene: KIAA1549 (KIAA1549; minus strand). Cytogenetic location: 7q34.
Variant type: single nucleotide variant.
Coding change: c.5627C>A on transcript NM_001164665.2 (MANE Select); coding-DNA position 5627, C replaced by A.
Protein change: p.Ser1876Tyr; replaces serine 1876 with tyrosine.
Molecular consequence: missense variant. On other transcripts: intron variant (1).
Genome position (GRCh38, 1-based): chr7:138,838,132, G>T on the plus strand (C>A on the coding strand, the complement: KIAA1549 is on the minus strand). VCF-style: chr7-138838132-G-T. GRCh37 (hg19) VCF-style: chr7-138522877-G-T.
Other names: c.5599-20C>A (NM_020910.3); short protein forms S1876Y.
Identifiers: ClinVar variation 1947666 (VCV001947666.5), dbSNP rs946825291, ClinGen allele CA369384203.

ClinVar aggregate classification (germline): Uncertain significance (1 of 4 stars; one submission).

Allele frequency attached by ClinVar (database versions not stated): TOPMed below 0.00001.

Submission:

Labcorp Genetics (formerly Invitae), Labcorp
Classification: Uncertain significance. Last evaluated: 2024-12-16. Review status: criteria provided, single submitter. Criteria: Invitae Variant Classification Sherloc (09022015). Collection method: clinical testing. Allele origin: germline.
Comment: This sequence change replaces serine, which is neutral and polar, with tyrosine, which is neutral and polar, at codon 1876 of the KIAA1549 protein (p.Ser1876Tyr). This variant is not present in population databases (gnomAD no frequency). This variant has not been reported in the literature in individuals affected with KIAA1549-related conditions. ClinVar contains an entry for this variant (Variation ID: 1947666). An algorithm developed to predict the effect of missense changes on protein structure and function (PolyPhen-2) suggests that this variant is likely to be disruptive. In summary, the available evidence is currently insufficient to determine the role of this variant in disease. Therefore, it has been classified as a Variant of Uncertain Significance.